The following is an entry in ClinVar:

NM_018122.5(DARS2):c.1490T>C (p.Leu497Pro)

Gene: DARS2 (aspartyl-tRNA synthetase 2, mitochondrial; plus strand). Cytogenetic location: 1q25.1.
Variant type: single nucleotide variant.
Coding change: c.1490T>C on transcript NM_018122.5 (MANE Select); coding-DNA position 1490, T replaced by C.
Protein change: p.Leu497Pro; replaces leucine 497 with proline.
Molecular consequence: missense variant.
Genome position (GRCh38, 1-based): chr1:173,853,494, T>C. VCF-style: chr1-173853494-T-C. GRCh37 (hg19) VCF-style: chr1-173822632-T-C.
Other names: p.Leu497Pro; c.1337T>C, p.Leu446Pro (NM_001365212.1); short protein forms L446P, L497P.
Identifiers: ClinVar variation 3392794 (VCV003392794.2).
Genomic context (GRCh38, chr1:173,853,494, plus strand): 5'-CTTTCCTTTGGGTGGTAGATTTCCCACTCTTCCTGCCCAAGGAGGAAAATCCCAGAGAGC[T>C]GGAATCGGCCCACCACCCATTTACTGCTCCCCACCCCAGTGACATACATCTCCTGTACAC-3'
Protein context (NP_060592.2, residues 487-507): FLPKEENPRE[Leu497Pro]ESAHHPFTAP

ClinVar aggregate classification (germline): Uncertain significance. Review status: criteria provided, multiple submitters, no conflicts (2 of 4 stars). 2 submissions from 2 submitters: Uncertain significance (2). Last evaluated 2025-09-27.

gnomAD v4.1: 11 of 1,614,162 alleles (0.00068%); highest among the groups gnomAD compares: Non-Finnish European, 0.00093%; no homozygotes.

Submissions (2):

Mayo Clinic Laboratories, Mayo Clinic
Classification: Uncertain significance. Last evaluated: 2025-09-27. Review status: criteria provided, single submitter. Criteria: ACMG Guidelines, 2015. Collection method: clinical testing. Allele origin: germline. Observed: 1 variant allele.
Comment: PP3_moderate, PM2_supporting

GeneDx
Classification: Uncertain significance. Last evaluated: 2024-06-26. Review status: criteria provided, single submitter. Criteria: GeneDx Variant Classification Process June 2021. Collection method: clinical testing. Allele origin: germline. Affected: yes.
Comment: Not observed at significant frequency in large population cohorts (gnomAD); In silico analysis supports that this missense variant has a deleterious effect on protein structure/function; Has not been previously published as pathogenic or benign to our knowledge